The following is an entry in ClinVar:

NM_001330588.2(TPP2):c.521T>A (p.Leu174His)

Gene: TPP2 (tripeptidyl peptidase 2; plus strand). Cytogenetic location: 13q33.1.
Variant type: single nucleotide variant.
Coding change: c.521T>A on transcript NM_001330588.2 (MANE Select); coding-DNA position 521, T replaced by A.
Protein change: p.Leu174His; replaces leucine 174 with histidine.
Molecular consequence: missense variant. On other transcripts: non-coding transcript variant (1).
Genome position (GRCh38, 1-based): chr13:102,618,747, T>A. VCF-style: chr13-102618747-T-A. GRCh37 (hg19) VCF-style: chr13-103271097-T-A.
Other names: c.521T>A, p.Leu174His (NM_001367947.1, NM_003291.4); short protein forms L174H.
Identifiers: ClinVar variation 959190 (VCV000959190.10), dbSNP rs1880930941, ClinGen allele CA388475175.

ClinVar aggregate classification (germline): Uncertain significance. Review status: criteria provided, multiple submitters, no conflicts (2 of 4 stars). 2 submissions from 2 submitters: Uncertain significance (2). Last evaluated 2025-08-31.

Conditions:
Evans syndrome, immunodeficiency, and premature immunosenescence associated with tripeptidyl-peptidase II deficiency. Identifiers: MedGen CN231723. Disease mechanism: loss of function.
Inborn genetic diseases. Identifiers: MedGen C0950123, MeSH D030342.

Submissions (2):

Ambry Genetics
Classification: Uncertain significance for Inborn genetic diseases. Last evaluated: 2025-08-31. Review status: criteria provided, single submitter. Criteria: Ambry Variant Classification Scheme 2023. Collection method: clinical testing. Allele origin: germline.

Labcorp Genetics (formerly Invitae), Labcorp
Classification: Uncertain significance for Evans syndrome, immunodeficiency, and premature immunosenescence associated with tripeptidyl-peptidase II deficiency. Last evaluated: 2025-04-22. Review status: criteria provided, single submitter. Criteria: Invitae Variant Classification Sherloc (09022015). Collection method: clinical testing. Allele origin: germline.
Comment: This sequence change replaces leucine, which is neutral and non-polar, with histidine, which is basic and polar, at codon 174 of the TPP2 protein (p.Leu174His). This variant is not present in population databases (gnomAD no frequency). This variant has not been reported in the literature in individuals affected with TPP2-related conditions. ClinVar contains an entry for this variant (Variation ID: 959190). An algorithm developed to predict the effect of missense changes on protein structure and function (PolyPhen-2) suggests that this variant is likely to be disruptive. In summary, the available evidence is currently insufficient to determine the role of this variant in disease. Therefore, it has been classified as a Variant of Uncertain Significance.